The following is an entry in ClinVar:

NM_000383.4(AIRE):c.254A>G (p.Tyr85Cys)

Gene: AIRE (autoimmune regulator; plus strand). Cytogenetic location: 21q22.3.
Variant type: single nucleotide variant.
Coding change: c.254A>G on transcript NM_000383.4 (MANE Select); coding-DNA position 254, A replaced by G.
Protein change: p.Tyr85Cys; replaces tyrosine 85 with cysteine.
Molecular consequence: missense variant.
Genome position (GRCh38, 1-based): chr21:44,286,678, A>G. VCF-style: chr21-44286678-A-G. GRCh37 (hg19) VCF-style: chr21-45706561-A-G.
Other names: c.254A>G (LRG_18t1); short protein forms Y85C.
Identifiers: ClinVar variation 68222 (VCV000068222.47), dbSNP rs179363882, ClinGen allele CA201537.

ClinVar aggregate classification (germline): Pathogenic/Likely pathogenic. Review status: criteria provided, multiple submitters, no conflicts (2 of 4 stars). 8 submissions from 8 submitters: Pathogenic (6); Likely pathogenic (1). 1 of the submissions does not count toward it. Last evaluated 2026-01-18.

Conditions:
AIRE-related disorder. Also called: AIRE-related condition.
Polyglandular autoimmune syndrome, type 1 (APS1). Also called: APS I; HYPOADRENOCORTICISM WITH HYPOPARATHYROIDISM AND SUPERFICIAL MONILIASIS; PGA I; Autoimmune polyendocrine syndrome type 1; Autoimmune polyendocrinopathy syndrome, type I; AUTOIMMUNE POLYENDOCRINE SYNDROME, TYPE I, WITH OR WITHOUT REVERSIBLE METAPHYSEAL DYSPLASIA. Identifiers: Orphanet 3453, MedGen C0085859, MONDO:0009411, OMIM 240300.

Allele frequency attached by ClinVar (database versions not stated): gnomAD exomes below 0.00001.
gnomAD v4.1: 2 of 1,613,068 alleles (0.00012%); highest among the groups gnomAD compares: Middle Eastern, 0.033%; no homozygotes.

Submissions (8):

Labcorp Genetics (formerly Invitae), Labcorp
Classification: Pathogenic for Polyglandular autoimmune syndrome, type 1. Last evaluated: 2026-01-18. Review status: criteria provided, single submitter. Criteria: Invitae Variant Classification Sherloc (09022015). Collection method: clinical testing. Allele origin: germline.
Comment: This sequence change replaces tyrosine, which is neutral and polar, with cysteine, which is neutral and slightly polar, at codon 85 of the AIRE protein (p.Tyr85Cys). This variant is present in population databases (rs179363882, gnomAD no frequency). This missense change has been observed in individuals with autosomal recessive AIRE-related conditions (PMID: 10677297, 12050215, 25367057). ClinVar contains an entry for this variant (Variation ID: 68222). Invitae Evidence Modeling of protein sequence and biophysical properties (such as structural, functional, and spatial information, amino acid conservation, physicochemical variation, residue mobility, and thermodynamic stability) indicates that this missense variant is expected to disrupt AIRE protein function with a positive predictive value of 95%. Experimental studies have shown that this missense change affects AIRE function (PMID: 12471056, 14974083, 16114041). For these reasons, this variant has been classified as Pathogenic.

Natera, Inc.
Classification: Pathogenic for Polyglandular autoimmune syndrome type 1. Last evaluated: 2025-10-21. Review status: criteria provided, single submitter. Criteria: Natera Variant Classification Schema (03/2026). Collection method: clinical testing. Allele origin: germline.
Comment: The c.254A>G variant in AIRE is a missense variant predicted to cause substitution of tyrosine to cysteine at amino acid 85. This variant is rare in the general population with a frequency below the threshold expected for the associated phenotype(s). This variant has been observed in one or more individuals affected with the associated recessive disease, as either homozygous or compound heterozygous with a second variant (PMID: 10677297, 25367057). Additionally, this variant has been observed to segregate in affected family members (PMID: 25367057). Functional studies show that this variant may disrupt protein function (PMID: 34477806). Computational prediction algorithms indicate this variant is likely to affect gene or protein function. Given the available evidence, this variant is classified as Pathogenic.

CeGaT Center for Human Genetics Tuebingen
Classification: Pathogenic. Last evaluated: 2023-07-01. Review status: criteria provided, single submitter. Criteria: CeGaT Center For Human Genetics Tuebingen Variant Classification Criteria Version 2. Collection method: clinical testing. Allele origin: germline. Affected: yes. Observed: 1 variant allele.
Comment: AIRE: PM3:Strong, PM1, PM2, PS3:Moderate

Blueprint Genetics
Classification: Pathogenic for AIRE-related disorders. Last evaluated: 2023-06-19. Review status: criteria provided, single submitter. Criteria: ACMG Guidelines, 2015. Collection method: clinical testing. Allele origin: germline. Affected: yes. Observed: 2 variant alleles.

Fulgent Genetics
Classification: Likely pathogenic for Polyglandular autoimmune syndrome, type 1. Last evaluated: 2022-01-13. Review status: criteria provided, single submitter. Criteria: ACMG Guidelines, 2015. Collection method: clinical testing. Allele origin: unknown.

Myriad Genetics, Inc.
Classification: Pathogenic for Polyglandular autoimmune syndrome, type 1. Last evaluated: 2019-12-09. Review status: criteria provided, single submitter. Criteria: Myriad Women's Health Autosomal Recessive and X-Linked Classification Criteria (2019). Collection method: clinical testing. Allele origin: unknown.
Comment: NM_000383.3(AIRE):c.254A>G(Y85C) is classified as pathogenic in the context of autoimmune polyglandular syndrome type 1. Sources cited for classification include the following: PMID 12471056, 14974083, 16114041, 18708298 and 10677297. Classification of NM_000383.3(AIRE):c.254A>G(Y85C) is based on the following criteria: This is a well-established pathogenic variant in the literature that has been observed more frequently in patients with clinical diagnoses than in healthy populations. Please note: this variant was assessed in the context of healthy population screening.

Eurofins Ntd Llc (ga)
Classification: Pathogenic. Last evaluated: 2014-06-13. Review status: criteria provided, single submitter. Criteria: EGL Classification Definitions 2015. Collection method: clinical testing. Allele origin: germline.

UniProtKB/Swiss-Prot
No classification provided. Review status: no classification provided. Collection method: not provided. Allele origin: not provided. Not counted in ClinVar's aggregate classification.

Literature cited by the submitters: PubMed 10677297 (cited by 3 submitters); PubMed 12050215 (cited by Labcorp Genetics (formerly Invitae), Labcorp); PubMed 25367057 (cited by Labcorp Genetics (formerly Invitae), Labcorp and Natera, Inc.); PubMed 12471056 (cited by Labcorp Genetics (formerly Invitae), Labcorp and Myriad Genetics, Inc.); PubMed 14974083 (cited by Labcorp Genetics (formerly Invitae), Labcorp and Myriad Genetics, Inc.); PubMed 16114041 (cited by Labcorp Genetics (formerly Invitae), Labcorp and Myriad Genetics, Inc.); PubMed 34477806 (cited by Natera, Inc.); PubMed 18708298 (cited by Myriad Genetics, Inc.).